The following is an entry in ClinVar:

ClinVar aggregate classification (germline): Uncertain significance (1 of 4 stars; one submission).

Conditions:
Fanconi anemia (FA). Also called: Fanconi's anemia. Identifiers: Orphanet 84, MedGen C0015625, MeSH D005199, MONDO:0019391.

Submission:

Labcorp Genetics (formerly Invitae), Labcorp
Classification: Uncertain significance for Fanconi anemia. Last evaluated: 2021-02-12. Review status: criteria provided, single submitter. Criteria: Invitae Variant Classification Sherloc (09022015). Collection method: clinical testing. Allele origin: germline.
Comment: In summary, the available evidence is currently insufficient to determine the role of this variant in disease. Therefore, it has been classified as a Variant of Uncertain Significance. Algorithms developed to predict the effect of sequence changes on RNA splicing suggest that this variant may create or strengthen a splice site, but this prediction has not been confirmed by published transcriptional studies. Algorithms developed to predict the effect of missense changes on protein structure and function (SIFT, PolyPhen-2, Align-GVGD) all suggest that this variant is likely to be tolerated, but these predictions have not been confirmed by published functional studies and their clinical significance is uncertain. This variant has not been reported in the literature in individuals with FANCM-related conditions. This variant is not present in population databases (ExAC no frequency). This sequence change replaces histidine with glutamine at codon 812 of the FANCM protein (p.His812Gln). The histidine residue is weakly conserved and there is a small physicochemical difference between histidine and glutamine.

NM_020937.4(FANCM):c.2436C>G (p.His812Gln)

Gene: FANCM (FA complementation group M; plus strand). Cytogenetic location: 14q21.2.
Variant type: single nucleotide variant.
Coding change: c.2436C>G on transcript NM_020937.4 (MANE Select); coding-DNA position 2436, C replaced by G.
Protein change: p.His812Gln; replaces histidine 812 with glutamine.
Molecular consequence: missense variant.
Genome position (GRCh38, 1-based): chr14:45,175,190, C>G. VCF-style: chr14-45175190-C-G. GRCh37 (hg19) VCF-style: chr14-45644393-C-G.
Other names: c.2358C>G, p.His786Gln (NM_001308133.2); short protein forms H786Q, H812Q.
Identifiers: ClinVar variation 1371366 (VCV001371366.8), dbSNP rs1888585906, ClinGen allele CA389597842.